The following is an entry in ClinVar:

NM_024757.5(EHMT1):c.2338G>A (p.Ala780Thr)

Gene: EHMT1 (euchromatic histone lysine methyltransferase 1; plus strand). Cytogenetic location: 9q34.3.
Variant type: single nucleotide variant.
Coding change: c.2338G>A on transcript NM_024757.5 (MANE Select); coding-DNA position 2338, G replaced by A.
Protein change: p.Ala780Thr; replaces alanine 780 with threonine.
Molecular consequence: missense variant.
Genome position (GRCh38, 1-based): chr9:137,782,353, G>A. VCF-style: chr9-137782353-G-A. GRCh37 (hg19) VCF-style: chr9-140676805-G-A.
Other names: c.2338G>A, p.Ala780Thr (NM_001145527.2); c.2245G>A, p.Ala749Thr (NM_001354259.2); c.2317G>A, p.Ala773Thr (NM_001354263.2); short protein forms A773T, A749T, A780T.
Identifiers: ClinVar variation 858659 (VCV000858659.11), dbSNP rs1951621506, ClinGen allele CA375782985.

ClinVar aggregate classification (germline): Uncertain significance. Review status: criteria provided, multiple submitters, no conflicts (2 of 4 stars). 2 submissions from 2 submitters: Uncertain significance (2). Last evaluated 2025-06-12.

Conditions:
Kleefstra syndrome 1 (KLEFS1). Identifiers: Orphanet 261494, MedGen C0795833, MONDO:0027407, OMIM 610253.

Submissions (2):

GeneDx
Classification: Uncertain significance. Last evaluated: 2025-06-12. Review status: criteria provided, single submitter. Criteria: GeneDx Variant Classification Process June 2021. Collection method: clinical testing. Allele origin: germline. Affected: yes.
Comment: Not observed at significant frequency in large population cohorts (gnomAD); In silico analysis supports that this missense variant has a deleterious effect on protein structure/function; Has not been previously published as pathogenic or benign to our knowledge

Labcorp Genetics (formerly Invitae), Labcorp
Classification: Uncertain significance for Kleefstra syndrome 1. Last evaluated: 2019-05-20. Review status: criteria provided, single submitter. Criteria: Invitae Variant Classification Sherloc (09022015). Collection method: clinical testing. Allele origin: germline.
Comment: In summary, the available evidence is currently insufficient to determine the role of this variant in disease. Therefore, it has been classified as a Variant of Uncertain Significance. Algorithms developed to predict the effect of missense changes on protein structure and function are either unavailable or do not agree on the potential impact of this missense change (SIFT: "Deleterious"; PolyPhen-2: "Probably Damaging"; Align-GVGD: "Class C0"). This variant is not present in population databases (ExAC no frequency). This sequence change replaces alanine with threonine at codon 780 of the EHMT1 protein (p.Ala780Thr). The alanine residue is highly conserved and there is a small physicochemical difference between alanine and threonine.